The following is an entry in ClinVar:

ClinVar aggregate classification (germline): Uncertain significance. Review status: criteria provided, multiple submitters, no conflicts (2 of 4 stars). 2 submissions from 2 submitters: Uncertain significance (2). Last evaluated 2026-04-15.

Conditions:
Early-infantile DEE. Also called: Ohtahara syndrome; Early infantile epileptic encephalopathy; Early infantile epileptic encephalopathy with suppression bursts. Identifiers: Orphanet 1934, MedGen C0393706, MONDO:0800491.

Submissions (2):

GeneDx
Classification: Uncertain significance. Last evaluated: 2026-04-15. Review status: criteria provided, single submitter. Criteria: GeneDx Variant Classification Process June 2021. Collection method: clinical testing. Allele origin: germline.
Comment: Not observed at significant frequency in large population cohorts (gnomAD); In silico analysis suggests that this missense variant does not alter protein structure/function; Has not been previously published as pathogenic or benign to our knowledge; This substitution is predicted to be within the transmembrane segment S6

Labcorp Genetics (formerly Invitae), Labcorp
Classification: Uncertain significance for Early-infantile DEE. Last evaluated: 2019-06-06. Review status: criteria provided, single submitter. Criteria: Invitae Variant Classification Sherloc (09022015). Collection method: clinical testing. Allele origin: germline.
Comment: In summary, the available evidence is currently insufficient to determine the role of this variant in disease. Therefore, it has been classified as a Variant of Uncertain Significance. Algorithms developed to predict the effect of missense changes on protein structure and function are either unavailable or do not agree on the potential impact of this missense change (SIFT: "Tolerated"; PolyPhen-2: "Possibly Damaging"; Align-GVGD: "Class C0"). This variant has not been reported in the literature in individuals with KCNQ2-related conditions. This variant is not present in population databases (ExAC no frequency). This sequence change replaces threonine with asparagine at codon 296 of the KCNQ2 protein (p.Thr296Asn). The threonine residue is highly conserved and there is a small physicochemical difference between threonine and asparagine.

NM_172107.4(KCNQ2):c.887C>A (p.Thr296Asn)

Gene: KCNQ2 (potassium voltage-gated channel subfamily Q member 2; minus strand). Cytogenetic location: 20q13.33.
Variant type: single nucleotide variant.
Coding change: c.887C>A on transcript NM_172107.4 (MANE Select); coding-DNA position 887, C replaced by A.
Protein change: p.Thr296Asn; replaces threonine 296 with asparagine.
Molecular consequence: missense variant.
Genome position (GRCh38, 1-based): chr20:63,439,638, G>T on the plus strand (C>A on the coding strand, the complement: KCNQ2 is on the minus strand). VCF-style: chr20-63439638-G-T. GRCh37 (hg19) VCF-style: chr20-62070991-G-T.
Other names: c.887C>A, p.Thr296Asn (NM_001382235.1, NM_004518.6, NM_172106.3 and 2 more transcripts); short protein forms T296N.
Identifiers: ClinVar variation 940822 (VCV000940822.11), dbSNP rs2081099327, ClinGen allele CA409652567.
Genomic context (GRCh38, chr20:63,439,638, plus strand): 5'-GCAGGGGCAGCTGGACTTACTGCAGGCAGCGCGAAGAAGGAGACACCGATGAGGGTGAAG[G>T]TTGCCGCAAGGAGCCTGCCGTTCCAGGTCTGGGGGTACTTGTCCCCGTAGCCAATGGTGG-3'
Protein context (NP_742105.1, residues 286-306): QTWNGRLLAA[Thr296Asn]FTLIGVSFFA